The following is an entry in ClinVar:

NM_000038.6(APC):c.2882A>G (p.Asn961Ser)

Gene: APC (APC regulator of Wnt signaling pathway; plus strand). Cytogenetic location: 5q22.2.
Variant type: single nucleotide variant.
Coding change: c.2882A>G on transcript NM_000038.6 (MANE Select); coding-DNA position 2882, A replaced by G.
Protein change: p.Asn961Ser; replaces asparagine 961 with serine.
Molecular consequence: missense variant.
Genome position (GRCh38, 1-based): chr5:112,838,476, A>G. VCF-style: chr5-112838476-A-G. GRCh37 (hg19) VCF-style: chr5-112174173-A-G.
Other names: c.2798A>G, p.Asn933Ser (NM_001354899.2); c.2759A>G, p.Asn920Ser (NM_001354900.2); c.2705A>G, p.Asn902Ser (NM_001354901.2); c.2609A>G, p.Asn870Ser (NM_001354902.2); c.2882A>G, p.Asn961Ser (NM_001127510.3, NM_001354895.2); c.2828A>G, p.Asn943Ser (NM_001127511.3); c.2936A>G, p.Asn979Ser (NM_001354896.2); c.2912A>G, p.Asn971Ser (NM_001354897.2); and 5 more; short protein forms N943S, N961S, N860S, N870S, N678S, N902S, N936S, N971S.
Identifiers: ClinVar variation 486760 (VCV000486760.15), dbSNP rs1554084564, ClinGen allele CA16027618.
Genomic context (GRCh38, chr5:112,838,476, plus strand): 5'-AAAATTCAAATAGGACATGTTCTATGCCTTATGCCAAATTAGAATACAAGAGATCTTCAA[A>G]TGATAGTTTAAATAGTGTCAGTAGTAGTGATGGTTATGGTAAAAGAGGTCAAATGAAACC-3'
Protein context (NP_000029.2, residues 951-971): YAKLEYKRSS[Asn961Ser]DSLNSVSSSD

ClinVar aggregate classification (germline): Uncertain significance. Review status: criteria provided, multiple submitters, no conflicts (2 of 4 stars). 2 submissions from 2 submitters: Uncertain significance (2). Last evaluated 2025-08-10.

Conditions:
Hereditary cancer-predisposing syndrome. Also called: Tumor predisposition; Hereditary Cancer Syndrome; Hereditary neoplastic syndrome; Neoplastic Syndromes, Hereditary. Identifiers: Orphanet 140162, MedGen C0027672, MeSH D009386, MONDO:0015356.
Familial adenomatous polyposis 1 (FAP1). Also called: FAMILIAL ADENOMATOUS POLYPOSIS 1, ATTENUATED; POLYPOSIS, ADENOMATOUS INTESTINAL. Identifiers: MedGen C2713442, MONDO:0021056, OMIM 175100. Disease mechanism: loss of function.

Submissions (2):

Ambry Genetics
Classification: Uncertain significance for Hereditary cancer-predisposing syndrome. Last evaluated: 2025-08-10. Review status: criteria provided, single submitter. Criteria: Ambry Variant Classification Scheme 2023. Collection method: clinical testing. Allele origin: germline.
Comment: The p.N961S variant (also known as c.2882A>G), located in coding exon 15 of the APC gene, results from an A to G substitution at nucleotide position 2882. The asparagine at codon 961 is replaced by serine, an amino acid with highly similar properties. This amino acid position is well conserved in available vertebrate species; however, serine is the reference amino acid in other vertebrate species. In addition, in silico predictors for this gene do not accurately predict pathogenicity. Since supporting evidence is limited at this time, the clinical significance of this alteration remains unclear.

Labcorp Genetics (formerly Invitae), Labcorp
Classification: Uncertain significance for Familial adenomatous polyposis 1. Last evaluated: 2025-07-29. Review status: criteria provided, single submitter. Criteria: Invitae Variant Classification Sherloc (09022015). Collection method: clinical testing. Allele origin: germline.
Comment: This sequence change replaces asparagine, which is neutral and polar, with serine, which is neutral and polar, at codon 961 of the APC protein (p.Asn961Ser). This variant is not present in population databases (gnomAD no frequency). This variant has not been reported in the literature in individuals affected with APC-related conditions. ClinVar contains an entry for this variant (Variation ID: 486760). Invitae Evidence Modeling of protein sequence and biophysical properties (such as structural, functional, and spatial information, amino acid conservation, physicochemical variation, residue mobility, and thermodynamic stability) indicates that this missense variant is not expected to disrupt APC protein function with a negative predictive value of 95%. In summary, the available evidence is currently insufficient to determine the role of this variant in disease. Therefore, it has been classified as a Variant of Uncertain Significance.